The following is an entry in ClinVar:

ClinVar aggregate classification (germline): Pathogenic. Review status: criteria provided, multiple submitters, no conflicts (2 of 4 stars). 2 submissions from 2 submitters: Pathogenic (2). Last evaluated 2024-01-01.

Conditions:
Gnathodiaphyseal dysplasia (GDD). Also called: GNATHODIAPHYSEAL SCLEROSIS; OSTEOGENESIS IMPERFECTA WITH UNUSUAL SKELETAL LESIONS. Identifiers: Orphanet 53697, MedGen C1833736, MONDO:0008151, OMIM 166260.
Autosomal recessive limb-girdle muscular dystrophy type 2L (LGMDR12). Also called: Limb-girdle muscular dystrophy, type 2L; Limb-Girdle Muscular Dystrophy R12 Anoctamin-5-Related (LGMD-R12); MUSCULAR DYSTROPHY, LIMB-GIRDLE, AUTOSOMAL RECESSIVE 12. Identifiers: Orphanet 206549, MedGen C1969785, MONDO:0012652, OMIM 611307.

Allele frequency attached by ClinVar (database versions not stated): ExAC 0.00001.
gnomAD v4.1: 1 of 1,611,620 alleles (0.000062%); highest among the groups gnomAD compares: South Asian, 0.0011%; no homozygotes.

Submissions (2):

CeGaT Center for Human Genetics Tuebingen
Classification: Pathogenic. Last evaluated: 2024-01-01. Review status: criteria provided, single submitter. Criteria: CeGaT Center For Human Genetics Tuebingen Variant Classification Criteria Version 2. Collection method: clinical testing. Allele origin: germline. Affected: yes. Observed: 1 variant allele.
Comment: ANO5: PVS1, PM2

Labcorp Genetics (formerly Invitae), Labcorp
Classification: Pathogenic for Autosomal recessive limb-girdle muscular dystrophy type 2L; Gnathodiaphyseal dysplasia. Last evaluated: 2022-03-22. Review status: criteria provided, single submitter. Criteria: Invitae Variant Classification Sherloc (09022015). Collection method: clinical testing. Allele origin: germline.
Comment: This sequence change creates a premature translational stop signal (p.Tyr86*) in the ANO5 gene. It is expected to result in an absent or disrupted protein product. Loss-of-function variants in ANO5 are known to be pathogenic (PMID: 21186264, 23606453, 25891276, 30919934). For these reasons, this variant has been classified as Pathogenic. Algorithms developed to predict the effect of sequence changes on RNA splicing suggest that this variant may create or strengthen a splice site. This variant has not been reported in the literature in individuals affected with ANO5-related conditions. The frequency data for this variant in the population databases is considered unreliable, as metrics indicate poor data quality at this position in the gnomAD database.

Literature cited by the submitters: PubMed 21186264 (cited by Labcorp Genetics (formerly Invitae), Labcorp); PubMed 23606453 (cited by Labcorp Genetics (formerly Invitae), Labcorp); PubMed 25891276 (cited by Labcorp Genetics (formerly Invitae), Labcorp); PubMed 30919934 (cited by Labcorp Genetics (formerly Invitae), Labcorp).

NM_213599.3(ANO5):c.258C>A (p.Tyr86Ter)

Gene: ANO5 (anoctamin 5; plus strand). Cytogenetic location: 11p14.3.
Variant type: single nucleotide variant.
Coding change: c.258C>A on transcript NM_213599.3 (MANE Select); coding-DNA position 258, C replaced by A.
Protein change: p.Tyr86Ter; replaces tyrosine 86 with a stop codon.
Molecular consequence: nonsense.
Genome position (GRCh38, 1-based): chr11:22,221,174, C>A. VCF-style: chr11-22221174-C-A. GRCh37 (hg19) VCF-style: chr11-22242720-C-A.
Other names: c.255C>A, p.Tyr85Ter (NM_001142649.2); short protein forms Y85*, Y86*.
Identifiers: ClinVar variation 1457438 (VCV001457438.28), dbSNP rs747146523, ClinGen allele CA5922845.
Genomic context (GRCh38, chr11:22,221,174, plus strand): 5'-AAGCAAAGATTCTATCTTCTTCCGAGATGGGATTAGGCAAATTGATTTTGTGCTTTCCTA[C>A]GTTGATGATGTAAAGAAAGACGCAGAGTTAAAGGCGGTAAGTGCATTATAACAGAAGTGG-3'